The following is an entry in ClinVar:

NM_002490.6(NDUFA6):c.306T>A (p.His102Gln)

Gene: NDUFA6 (NADH:ubiquinone oxidoreductase subunit A6; minus strand). Cytogenetic location: 22q13.2.
Variant type: single nucleotide variant.
Coding change: c.306T>A on transcript NM_002490.6 (MANE Select); coding-DNA position 306, T replaced by A.
Protein change: p.His102Gln; replaces histidine 102 with glutamine.
Molecular consequence: missense variant.
Genome position (GRCh38, 1-based): chr22:42,086,264, A>T on the plus strand (T>A on the coding strand, the complement: NDUFA6 is on the minus strand). VCF-style: chr22-42086264-A-T. GRCh37 (hg19) VCF-style: chr22-42482268-A-T.
Other names: short protein forms H102Q.
Identifiers: ClinVar variation 3628207 (VCV003628207.2).

ClinVar aggregate classification (germline): Uncertain significance (1 of 4 stars; one submission).

gnomAD v4.1: 39 of 1,614,038 alleles (0.0024%); highest among the groups gnomAD compares: Middle Eastern, 0.049%; no homozygotes.

Submission:

Labcorp Genetics (formerly Invitae), Labcorp
Classification: Uncertain significance. Last evaluated: 2024-04-16. Review status: criteria provided, single submitter. Criteria: Invitae Variant Classification Sherloc (09022015). Collection method: clinical testing. Allele origin: germline.
Comment: This sequence change replaces histidine, which is basic and polar, with glutamine, which is neutral and polar, at codon 128 of the NDUFA6 protein (p.His128Gln). This variant is present in population databases (rs201973818, gnomAD 0.006%). This variant has not been reported in the literature in individuals affected with NDUFA6-related conditions. An algorithm developed to predict the effect of missense changes on protein structure and function (PolyPhen-2) suggests that this variant is likely to be disruptive. In summary, the available evidence is currently insufficient to determine the role of this variant in disease. Therefore, it has been classified as a Variant of Uncertain Significance.